The following is an entry in ClinVar:

ClinVar aggregate classification (germline): Uncertain significance (1 of 4 stars; one submission).

Conditions:
Neurodevelopmental disorder. Identifiers: MedGen C1535926, MeSH D065886, MONDO:0700092.

Allele frequency attached by ClinVar (database versions not stated): 1000 Genomes Project 30x 0.00016; 1000 Genomes Project 0.00020; ESP Exome Variant Server 0.00058; gnomAD 0.00061; ExAC 0.00078.
gnomAD v4.1: 1,060 of 1,613,118 alleles (0.066%); highest among the groups gnomAD compares: South Asian, 0.12%; 1 homozygote.

Submission:

Broad Center for Mendelian Genomics, Broad Institute of MIT and Harvard
Classification: Uncertain significance for Neurodevelopmental disorder. Last evaluated: 2024-06-19. Review status: criteria provided, single submitter. Criteria: ACMG Guidelines, 2015. Collection method: curation. Allele origin: germline. Inheritance: Autosomal recessive inheritance. Study: GREGoR Consortium.
Comment: While this gene is still lacking sufficient evidence to establish a gene-disease relationship, we believe this is a possible novel gene candidate for neurodevelopmental disorders. Given the limited information about this gene-disease relationship, the significance of the p.Pro265= variant is uncertain. If you have any additional information about functional evidence or other individuals with this phenotype that also have variants in KANSL3 we encourage you to reach out to us.

NM_001115016.3(KANSL3):c.795A>G (p.Pro265=)

Gene: KANSL3 (KAT8 regulatory NSL complex subunit 3; minus strand). Cytogenetic location: 2q11.2.
Variant type: single nucleotide variant.
Coding change: c.795A>G on transcript NM_001115016.3 (MANE Select); coding-DNA position 795, A replaced by G.
Protein change: p.Pro265=; no amino-acid change (proline 265 retained).
Molecular consequence: synonymous variant. On other transcripts: non-coding transcript variant (11).
Genome position (GRCh38, 1-based): chr2:96,613,488, T>C on the plus strand (A>G on the coding strand, the complement: KANSL3 is on the minus strand). VCF-style: chr2-96613488-T-C. GRCh37 (hg19) VCF-style: chr2-97279225-T-C.
Other names: NR_146102.2:n.837A>G; c.795A>G, p.Pro265= (NM_001349256.2, NM_001349257.2, NM_001349258.2); c.534A>G, p.Pro178= (NM_001349259.2); c.177A>G, p.Pro59= (NM_001349260.2); c.111A>G, p.Pro37= (NM_001349261.2, NM_001349262.2).
Identifiers: ClinVar variation 3252058 (VCV003252058.1), dbSNP rs201372384.